The following is an entry in ClinVar:

ClinVar aggregate classification (germline): Likely benign. Review status: criteria provided, multiple submitters, no conflicts (2 of 4 stars). 2 submissions from 2 submitters: Likely benign (2). Last evaluated 2024-02-22.

Conditions:
Familial thoracic aortic aneurysm and aortic dissection (TAAD). Also called: Thoracic aortic aneurysms and dissections. Identifiers: Orphanet 91387, MedGen C4707243, MONDO:0019625.
Loeys-Dietz syndrome (LDS). Identifiers: Orphanet 60030, MedGen C2697932, MONDO:0018954.

Allele frequency attached by ClinVar (database versions not stated): gnomAD exomes below 0.00001; ExAC 0.00002.
gnomAD v4.1: 2 of 1,613,994 alleles (0.00012%); highest among the groups gnomAD compares: Non-Finnish European, 0.00017%; no homozygotes.

Submissions (2):

All of Us Research Program, National Institutes of Health
Classification: Likely benign for Loeys-Dietz syndrome. Last evaluated: 2024-02-22. Review status: criteria provided, single submitter. Criteria: ACMG Guidelines, 2015. Collection method: clinical testing. Allele origin: germline. Inheritance: Autosomal dominant inheritance. Observed: 1 variant allele, 1 heterozygote.
Comment: This study involves interpretation of variants in research participants for the purpose of population health screening. Participant phenotype was not available at the time of variant classification. Additional details can be found in publication PMID: 35346344, PMCID: PMC8962531

Labcorp Genetics (formerly Invitae), Labcorp
Classification: Likely benign for Familial thoracic aortic aneurysm and aortic dissection. Last evaluated: 2020-06-30. Review status: criteria provided, single submitter. Criteria: Invitae Variant Classification Sherloc (09022015). Collection method: clinical testing. Allele origin: germline.

NM_004612.4(TGFBR1):c.1218A>G (p.Leu406=)

Gene: TGFBR1 (transforming growth factor beta receptor 1; plus strand). Cytogenetic location: 9q22.33.
Variant type: single nucleotide variant.
Coding change: c.1218A>G on transcript NM_004612.4 (MANE Select); coding-DNA position 1218, A replaced by G.
Protein change: p.Leu406=; no amino-acid change (leucine 406 retained).
Molecular consequence: synonymous variant.
Genome position (GRCh38, 1-based): chr9:99,146,572, A>G. VCF-style: chr9-99146572-A-G. GRCh37 (hg19) VCF-style: chr9-101908854-A-G.
Other names: c.987A>G, p.Leu329= (NM_001130916.3); c.1230A>G, p.Leu410= (NM_001306210.2).
Identifiers: ClinVar variation 751308 (VCV000751308.12), dbSNP rs757399188, ClinGen allele CA044775.
Genomic context (GRCh38, chr9:99,146,572, plus strand): 5'-TTCCATAAATATGAAACATTTTGAATCCTTCAAACGTGCTGACATCTATGCAATGGGCTT[A>G]GTATTCTGGGAAATTGCTCGACGATGTTCCATTGGTGGTAAATTGCTCTCCTCTCCCCCA-3'
Protein context (NP_004603.1, residues 396-416): FKRADIYAMG[Leu406=]VFWEIARRCS